The following is an entry in ClinVar:

NM_017534.6(MYH2):c.4517G>C (p.Arg1506Pro)

Genes: MYH2 (myosin heavy chain 2; minus strand), MYHAS (myosin heavy chain gene cluster antisense RNA; plus strand), LOC126862500 (BRD4-independent group 4 enhancer GRCh37_chr17:10427829-10429028; plus strand). Cytogenetic location: 17p13.1.
Variant type: single nucleotide variant.
Coding change: c.4517G>C on transcript NM_017534.6 (MANE Select); coding-DNA position 4517, G replaced by C.
Protein change: p.Arg1506Pro; replaces arginine 1506 with proline.
Molecular consequence: missense variant.
Genome position (GRCh38, 1-based): chr17:10,525,471, C>G on the plus strand (G>C on the coding strand, the complement: MYH2 is on the minus strand). VCF-style: chr17-10525471-C-G. GRCh37 (hg19) VCF-style: chr17-10428788-C-G.
Other names: c.4517G>C, p.Arg1506Pro (NM_001100112.2); short protein forms R1506P.
Identifiers: ClinVar variation 1357477 (VCV001357477.8), dbSNP rs1049022189, ClinGen allele CA398125637.

ClinVar aggregate classification (germline): Uncertain significance (1 of 4 stars; one submission).

Conditions:
Myopathy, proximal, and ophthalmoplegia (CMYO6). Also called: CONGENITAL MYOPATHY 6 WITH OPHTHALMOPLEGIA; MYOPATHY WITH CONGENITAL JOINT CONTRACTURES, OPHTHALMOPLEGIA, AND RIMMED VACUOLES; INCLUSION BODY MYOPATHY 3, AUTOSOMAL DOMINANT. Identifiers: Orphanet 363677, Orphanet 79091, MedGen C1854106, MONDO:0011577, OMIM 605637.

Submission:

Labcorp Genetics (formerly Invitae), Labcorp
Classification: Uncertain significance for Myopathy, proximal, and ophthalmoplegia. Last evaluated: 2022-09-19. Review status: criteria provided, single submitter. Criteria: Invitae Variant Classification Sherloc (09022015). Collection method: clinical testing. Allele origin: germline.
Comment: Advanced modeling of protein sequence and biophysical properties (such as structural, functional, and spatial information, amino acid conservation, physicochemical variation, residue mobility, and thermodynamic stability) performed at Invitae indicates that this missense variant is expected to disrupt MYH2 protein function. ClinVar contains an entry for this variant (Variation ID: 1357477). This variant has not been reported in the literature in individuals affected with MYH2-related conditions. This variant is not present in population databases (gnomAD no frequency). This sequence change replaces arginine, which is basic and polar, with proline, which is neutral and non-polar, at codon 1506 of the MYH2 protein (p.Arg1506Pro). In summary, the available evidence is currently insufficient to determine the role of this variant in disease. Therefore, it has been classified as a Variant of Uncertain Significance.